The following is an entry in ClinVar:

NM_000277.3(PAH):c.165del (p.Phe55fs)

Gene: PAH (phenylalanine hydroxylase; minus strand). Cytogenetic location: 12q23.2.
Variant type: Deletion.
Coding change: c.165del on transcript NM_000277.3 (MANE Select); coding-DNA position 165, one base deleted (T; older notation c.165delT).
Protein change: p.Phe55fs; shifts the reading frame from phenylalanine 55.
Molecular consequence: frameshift variant.
Genome position (GRCh38, 1-based): chr12:102,912,794, A deleted on the plus strand (T on the coding strand, the reverse complement: PAH is on the minus strand); the first of 3 consecutive A bases (chr12:102,912,794-102,912,796); deleting any one gives the same sequence. VCF-style (leftmost placement, unchanged base first): chr12-102912793-CA-C. GRCh37 (hg19) VCF-style: chr12-103306571-CA-C.
Other names: c.165del, p.Phe55fs (NM_001354304.2); c.165delT (NM_000277.3, NM_000277.2); short protein forms F55fs.
Identifiers: ClinVar variation 611 (VCV000000611.124), dbSNP rs199475566, ClinGen allele CA251540.
Genomic context (GRCh38, chr12:102,912,793, plus strand): 5'-AAAGAACATGGAAGTTTGCTACGACATTATCCAAGACAAACATGATTGTAGCACTGACCT[CA>C]AATAAGCGCAATACTTTGGCCAATGCACCAACTTCTTCTTTGAGTGAGAAGATCAGTGAT-3'

ClinVar aggregate classification (germline): Pathogenic. Review status: reviewed by expert panel (3 of 4 stars). 15 submissions from 15 submitters: Pathogenic (1). 14 of the submissions do not count toward it. Last evaluated 2019-04-03.

Conditions:
PAH-related disorder. Also called: PAH-related condition.
Phenylketonuria (PKU). Also called: FOLLING DISEASE; Phenylketonuria (PKU); OLIGOPHRENIA PHENYLPYRUVICA; Phenylketonurias. Identifiers: Orphanet 716, MedGen C0031485, MONDO:0009861, OMIM 261600. Disease mechanism: loss of function.

Submissions (15):

ClinGen PAH Variant Curation Expert Panel
Classification: Pathogenic for Phenylketonuria. Last evaluated: 2019-04-03. Review status: reviewed by expert panel. Criteria: ClinGen PAH ACMG Specifications v1. Collection method: curation. Allele origin: germline. Inheritance: Autosomal recessive inheritance.
Comment: The c.165delT (p.F55Lfs*6) is a frameshift variant in exon 2 of 13 in PAH, predicted to undergo nonsense mediated decay with the truncated region critical to protein function. It has been reported in compound heterozygote state in multiple patients with PKU (BH4 deficiency not excluded) (PMID: 1682235 & 23500595). The variants in trans include: R408W, and R261Q, both confirmed pathogenic.This variant has an extremely low allele frequency in the Genome Aggregation database (3/251384) (PM2). In summary, this variant meets criteria to be classified as pathogenic for PAH. PAH-specific ACMG/AMP criteria: PM2, PP4, PVS1.

CeGaT Center for Human Genetics Tuebingen
Classification: Pathogenic. Last evaluated: 2026-07-01. Review status: criteria provided, single submitter. Criteria: CeGaT Center For Human Genetics Tuebingen Variant Classification Criteria Version 2. Collection method: clinical testing. Allele origin: germline. Affected: yes. Observed: 3 variant alleles. Not counted in ClinVar's aggregate classification.
Comment: PAH: PM3:Very Strong, PVS1, PM2, PP4:Moderate

Victorian Clinical Genetics Services, Murdoch Childrens Research Institute
Classification: Pathogenic for Phenylketonuria. Last evaluated: 2026-05-08. Review status: criteria provided, single submitter. Criteria: ACMG Guidelines, 2015. Collection method: clinical testing. Allele origin: germline. Affected: no. Not counted in ClinVar's aggregate classification.
Comment: This variant is classified as Pathogenic. Evidence in support of pathogenic classification: Variant is predicted to cause nonsense-mediated decay (NMD) and loss of protein (premature termination codon is located at least 54 nucleotides upstream of the final exon-exon junction); Variant is present in gnomAD <0.01 for a recessive condition (v4: 29 heterozygote(s), 0 homozygote(s)); This variant has strong previous evidence of pathogenicity in unrelated individuals. This variant has been classified as pathogenic by multiple clinical laboratories, including the ClinGen PAH Variant Curation Expert Panel (ClinVar). Additional information: This variant is heterozygous; This gene is associated with autosomal recessive disease; Loss of function is a known mechanism of disease in this gene and is associated with phenylketonuria (MIM#261600).

3billion
Classification: Pathogenic for Phenylketonuria. Last evaluated: 2025-09-24. Review status: criteria provided, single submitter. Criteria: ACMG Guidelines, 2015. Collection method: clinical testing. Allele origin: germline. Affected: yes. Not counted in ClinVar's aggregate classification.
Comment: The variant is observed at an extremely low frequency in the gnomAD v4.1.0 dataset (total allele frequency: 0.002%). Predicted Consequence/Location: Frameshift: predicted to result in a loss or disruption of normal protein function through nonsense-mediated decay (NMD) or protein truncation. Multiple pathogenic variants are reported downstream of the variant. The variant has been reported to be in trans with a pathogenic variant as either compound heterozygous or homozygous in at least one similarly affected unrelated individual (PMID: 26481238). The variant has been reported multiple times as an established pathogenic variant (ClinVar ID: VCV000000611 /PMID: 1682235 /3billion dataset). Therefore, this variant is classified as Pathogenic according to the recommendation of ACMG/AMP guideline.

Labcorp Genetics (formerly Invitae), Labcorp
Classification: Pathogenic for Phenylketonuria. Last evaluated: 2025-04-17. Review status: criteria provided, single submitter. Criteria: Invitae Variant Classification Sherloc (09022015). Collection method: clinical testing. Allele origin: germline. Not counted in ClinVar's aggregate classification.
Comment: This sequence change creates a premature translational stop signal (p.Phe55Leufs*6) in the PAH gene. It is expected to result in an absent or disrupted protein product. Loss-of-function variants in PAH are known to be pathogenic (PMID: 1301187, 9634518). This variant is present in population databases (rs199475566, gnomAD 0.003%). This premature translational stop signal has been observed in individual(s) with hyperphenylalaninemia and/or phenylketonuria (PMID: 1682235, 18346471, 23500595). ClinVar contains an entry for this variant (Variation ID: 611). For these reasons, this variant has been classified as Pathogenic.

PreventionGenetics, part of Exact Sciences
Classification: Pathogenic for PAH-related condition. Last evaluated: 2025-03-31. Review status: criteria provided, single submitter. Criteria: ACMG Guidelines, 2015. Collection method: clinical testing. Allele origin: germline. Not counted in ClinVar's aggregate classification.
Comment: The PAH c.165delT variant is predicted to result in a frameshift and premature protein termination (p.Phe55Leufs*6). This variant was reported along with a second PAH variant or in the homozygous state in individuals with phenylalanine hydroxylase deficiency (Sarkissian et al. 2011. PubMed ID: 23430918; Carducci et al. 2020. PubMed ID: 32905092; Table S3, Hillert et al. 2020. PubMed ID: 32668217; Vela-Amieva et al. 2021. PubMed ID: 34828281). The c.165del variant has been associated with classic phenylketonuria (Carducci et al. 2020. PubMed ID: 32905092; Table S2, Hillert et al. 2020. PubMed ID: 32668217). The c.165del variant has been reported to lead to a PAH protein that is non-responsive to BH4 (Zurflüh et al. 2008. PubMed ID: 17935162; Sarkissian et al. 2011. PubMed ID: 23430918). This variant is reported in 0.0026% of alleles in individuals of European (Non-Finnish) descent in gnomAD. Frameshift variants in PAH are expected to be pathogenic. This variant is interpreted as pathogenic.

Natera, Inc.
Classification: Pathogenic for Phenylketonuria. Last evaluated: 2024-07-10. Review status: criteria provided, single submitter. Criteria: Natera Variant Classification Schema (03/2026). Collection method: clinical testing. Allele origin: germline. Not counted in ClinVar's aggregate classification.
Comment: The c.165delT variant in PAH is a frameshift variant predicted to shift the reading frame beginning at codon 55 and leads to a stop codon 6 codons downstream. This variant is expected to result in nonsense mediated decay, truncation, or a dysfunctional protein product. This variant is rare in the general population with a frequency below the threshold expected for the associated phenotype(s). This variant has been observed in one or more individuals affected with the associated recessive disease, as either homozygous or compound heterozygous with a second variant (PMID: 34828281). Given the available evidence, this variant is classified as Pathogenic.

GeneDx
Classification: Pathogenic. Last evaluated: 2023-02-22. Review status: criteria provided, single submitter. Criteria: GeneDx Variant Classification Process June 2021. Collection method: clinical testing. Allele origin: germline. Affected: yes. Not counted in ClinVar's aggregate classification.
Comment: Reported multiple times in various populations in association with a classic phenylketonuria (PKU) phenotype (Eigel et al. 1991; Alibakhshi et al. 2014; Groselj et al. 2012; Georgiou et al. 2012; Jeannesson-Thivisol et al. 2015; Sterl et al. 2013); Frameshift variant predicted to result in protein truncation or nonsense mediated decay in a gene for which loss-of-function is a known mechanism of disease; Not observed at a significant frequency in large population cohorts (gnomAD); Described as not responsive to tetrahydrobiopterin therapy (Sarkissian et al., 2012); This variant is associated with the following publications: (PMID: 23856132, 16198137, 12655553, 23500595, 1682235, 24048906, 22513348, 22330942, 26481238, 22526846, 24350308, 23357515, 21147011, 19609714, 19394257, 12655550, 10394930, 9781015, 18346471, 18299955, 26666653, 23430918, 32905092, 33465300, 32778825, 34828281, 35405047)

Blueprint Genetics
Classification: Pathogenic for PAH-related disorders. Last evaluated: 2019-07-10. Review status: criteria provided, single submitter. Criteria: ACMG Guidelines, 2015. Collection method: clinical testing. Allele origin: germline. Affected: yes. Observed: 5 variant alleles. Not counted in ClinVar's aggregate classification.

Quest Diagnostics Nichols Institute San Juan Capistrano
Classification: Pathogenic. Last evaluated: 2016-12-05. Review status: criteria provided, single submitter. Criteria: Quest Diagnostics criteria. Collection method: clinical testing. Allele origin: germline. Not counted in ClinVar's aggregate classification.

Women's Health and Genetics/Laboratory Corporation of America, LabCorp
Classification: Pathogenic for Phenylketonuria. Last evaluated: 2016-11-03. Review status: criteria provided, single submitter. Criteria: LabCorp Variant Classification Summary - May 2015. Collection method: clinical testing. Allele origin: germline. Not counted in ClinVar's aggregate classification.
Comment: Variant summary: The c.165delT (p.Phe55Leufs) variant in PAH gene is a frameshift change that results in the loss of the 393 amino acids of PAH (~85%). This change is predicted to cause loss of normal protein function through protein truncation or nonsense-mediated mRNA decay. According to the PAH enzymatic activity prediction it is expected to have a residual activity of 0%, which then will lead to elevated level of plasma Phe concentration. These predictions are in line with biochemical data observed in pts homozygous for c.165delT and presented with Classical PKU phenotype (MR, aphasia, elevated Phe plasma level ranging from 1477-2844umol/l). The variant is present in the large control population dataset of ExAC at a low frequency 0.000016 (2/121380 chrs tested). This frequency does not exceed the maximal expected frequency of a pathogenic allele (0.0079) in this gene. The variant has been reported in multiple affected individuals homozygously or in compound heterozygosity via published reports and has been cited as Pathogenic by several reputable databases/clinical laboratories. Taken together, the variant was classified as Pathogenic.

Eurofins Ntd Llc (ga)
Classification: Pathogenic. Last evaluated: 2013-08-27. Review status: criteria provided, single submitter. Criteria: EGL Classification Definitions 2015. Collection method: clinical testing. Allele origin: germline. Observed: 1 variant allele, 1 heterozygote. Not counted in ClinVar's aggregate classification.

Counsyl
Classification: Pathogenic for Phenylketonuria. Last evaluated: 2019-07-23. Review status: no assertion criteria provided. Collection method: clinical testing. Allele origin: unknown. Not counted in ClinVar's aggregate classification.

OMIM
Classification: Pathogenic for PHENYLKETONURIA. Last evaluated: 1991-10-01. Review status: no assertion criteria provided. Collection method: literature only. Allele origin: germline. Not counted in ClinVar's aggregate classification.

DeBelle Laboratory for Biochemical Genetics, MUHC/MCH RESEARCH INSTITUTE
No classification provided. Review status: no classification provided. Collection method: not provided. Allele origin: not provided. Not counted in ClinVar's aggregate classification.

Literature cited by the submitters: PubMed 23500595 (cited by 3 submitters); PubMed 1682235 (cited by 6 submitters); PubMed 26481238 (cited by 3billion); PubMed 1301187 (cited by Labcorp Genetics (formerly Invitae), Labcorp); PubMed 9634518 (cited by Labcorp Genetics (formerly Invitae), Labcorp); PubMed 18346471 (cited by Labcorp Genetics (formerly Invitae), Labcorp and Women's Health and Genetics/Laboratory Corporation of America, LabCorp); PubMed 34828281 (cited by Natera, Inc.); PubMed 23430918 (cited by Women's Health and Genetics/Laboratory Corporation of America, LabCorp); PubMed 23856132 (cited by Women's Health and Genetics/Laboratory Corporation of America, LabCorp); PubMed 18299955 (cited by Women's Health and Genetics/Laboratory Corporation of America, LabCorp); PubMed 24350308 (cited by Counsyl).